The following is an entry in ClinVar:

NM_001042492.3(NF1):c.4869G>A (p.Leu1623=)

Gene: NF1 (neurofibromin 1; plus strand). Cytogenetic location: 17q11.2.
Variant type: single nucleotide variant.
Coding change: c.4869G>A on transcript NM_001042492.3 (MANE Select); coding-DNA position 4869, G replaced by A.
Protein change: p.Leu1623=; no amino-acid change (leucine 1623 retained).
Molecular consequence: synonymous variant.
Genome position (GRCh38, 1-based): chr17:31,325,853, G>A. VCF-style: chr17-31325853-G-A. GRCh37 (hg19) VCF-style: chr17-29652871-G-A.
Other names: c.4806G>A, p.Leu1602= (NM_000267.4).
Identifiers: ClinVar variation 527625 (VCV000527625.54), dbSNP rs1555533279, ClinGen allele CA499232933.

ClinVar aggregate classification (germline): Benign/Likely benign. Review status: criteria provided, multiple submitters, no conflicts (2 of 4 stars). 4 submissions from 4 submitters: Benign (1); Likely benign (3). Last evaluated 2026-05-20.

Conditions:
Hereditary cancer-predisposing syndrome. Also called: Neoplastic Syndromes, Hereditary; Hereditary Cancer Syndrome; Hereditary neoplastic syndrome; Tumor predisposition. Identifiers: Orphanet 140162, MedGen C0027672, MeSH D009386, MONDO:0015356.
Cardiovascular phenotype. Identifiers: MedGen CN230736.
Neurofibromatosis, type 1 (NF1). Also called: Neurofibromatosis, type I; NEUROFIBROMATOSIS, TYPE I, SOMATIC; Peripheral type neurofibromatosis; VON RECKLINGHAUSEN DISEASE. Identifiers: Orphanet 636, MedGen C0027831, MONDO:0018975, OMIM 162200. Disease mechanism: loss of function.

Allele frequency attached by ClinVar (database versions not stated): gnomAD exomes 0.00002.
gnomAD v4.1: 29 of 1,614,076 alleles (0.0018%); highest among the groups gnomAD compares: Non-Finnish European, 0.0024%; no homozygotes.

Submissions (4):

Myriad Genetics, Inc.
Classification: Benign for Neurofibromatosis, type 1. Last evaluated: 2026-05-20. Review status: criteria provided, single submitter. Criteria: Myriad Autosomal Dominant, Autosomal Recessive and X-Linked Classification Criteria (2023). Collection method: clinical testing. Allele origin: unknown.
Comment: This variant is considered benign. This variant is a silent/synonymous amino acid change and it is not expected to impact splicing.

Labcorp Genetics (formerly Invitae), Labcorp
Classification: Likely benign for Neurofibromatosis, type 1. Last evaluated: 2025-04-09. Review status: criteria provided, single submitter. Criteria: Invitae Variant Classification Sherloc (09022015). Collection method: clinical testing. Allele origin: germline.

Genome-Nilou Lab
Classification: Likely benign for Neurofibromatosis, type 1. Last evaluated: 2022-03-15. Review status: criteria provided, single submitter. Criteria: ACMG Guidelines, 2015. Collection method: clinical testing. Allele origin: germline. Affected: no.

Ambry Genetics
Classification: Likely benign for Cardiovascular phenotype; Hereditary cancer-predisposing syndrome. Last evaluated: 2017-12-29. Review status: criteria provided, single submitter. Criteria: Ambry Variant Classification Scheme 2023. Collection method: clinical testing. Allele origin: germline.